The following is an entry in ClinVar:

NM_005169.4(PHOX2A):c.111C>G (p.Pro37=)

Gene: PHOX2A (paired like homeobox 2A; minus strand). Cytogenetic location: 11q13.4.
Variant type: single nucleotide variant.
Coding change: c.111C>G on transcript NM_005169.4 (MANE Select); coding-DNA position 111, C replaced by G.
Protein change: p.Pro37=; no amino-acid change (proline 37 retained).
Molecular consequence: synonymous variant.
Genome position (GRCh38, 1-based): chr11:72,243,894, G>C on the plus strand (C>G on the coding strand, the complement: PHOX2A is on the minus strand). VCF-style: chr11-72243894-G-C. GRCh37 (hg19) VCF-style: chr11-71954938-G-C.
Identifiers: ClinVar variation 728192 (VCV000728192.4), dbSNP rs1260502343, ClinGen allele CA475598310.
Genomic context (GRCh38, chr11:72,243,894, plus strand): 5'-GCAGTTGGAGGAGCCGAGCGCGGGGCAGGGCGGCCCTGCCGCGGGGAAAGCGGGCCGCAG[G>C]GGGCTGTATTGGAAGCCGCCGGGCTGGCTGCAGGCGCCAAAGTCGCCGTAGGCGGACGCC-3'
Protein context (NP_005160.2, residues 27-47): CSQPGGFQYS[Pro37=]LRPAFPAAGP

ClinVar aggregate classification (germline): Likely benign. Review status: criteria provided, multiple submitters, no conflicts (2 of 4 stars). 2 submissions from 2 submitters: Likely benign (2). Last evaluated 2025-12-22.

Conditions:
PHOX2A-related disorder. Also called: PHOX2A-related condition.

Allele frequency attached by ClinVar (database versions not stated): TOPMed 0.00003; gnomAD 0.00004.
gnomAD v4.1: 85 of 1,289,436 alleles (0.0066%); highest among the groups gnomAD compares: Non-Finnish European, 0.0081%; no homozygotes.

Submissions (2):

PreventionGenetics, part of Exact Sciences
Classification: Likely benign for PHOX2A-related condition. Last evaluated: 2025-12-22. Review status: criteria provided, single submitter. Criteria: ACMG Guidelines, 2015. Collection method: clinical testing. Allele origin: germline.
Comment: This variant is classified as likely benign based on ACMG/AMP sequence variant interpretation guidelines (Richards et al. 2015 PMID: 25741868, with internal and published modifications).

Labcorp Genetics (formerly Invitae), Labcorp
Classification: Likely benign. Last evaluated: 2018-08-21. Review status: criteria provided, single submitter. Criteria: Invitae Variant Classification Sherloc (09022015). Collection method: clinical testing. Allele origin: germline.